The following is an entry in ClinVar:

NM_000465.4(BARD1):c.1148T>G (p.Met383Arg)

Gene: BARD1 (BRCA1 associated RING domain 1; minus strand). Cytogenetic location: 2q35.
Variant type: single nucleotide variant.
Coding change: c.1148T>G on transcript NM_000465.4 (MANE Select); coding-DNA position 1148, T replaced by G.
Protein change: p.Met383Arg; replaces methionine 383 with arginine.
Molecular consequence: missense variant. On other transcripts: non-coding transcript variant (2), intron variant (3).
Genome position (GRCh38, 1-based): chr2:214,780,726, A>C on the plus strand (T>G on the coding strand, the complement: BARD1 is on the minus strand). VCF-style: chr2-214780726-A-C. GRCh37 (hg19) VCF-style: chr2-215645450-A-C.
Other names: c.1091T>G, p.Met364Arg (NM_001282543.2); c.159-28171T>G (NM_001282548.2); c.215+16335T>G (NM_001282545.2); c.364+11571T>G (NM_001282549.2); c.1148T>G (NM_000465.2); short protein forms M383R, M364R.
Identifiers: ClinVar variation 968977 (VCV000968977.11), dbSNP rs763596413, ClinGen allele CA2090335.

ClinVar aggregate classification (germline): Conflicting classifications of pathogenicity. Review status: criteria provided, conflicting classifications (1 of 4 stars). 2 submissions from 2 submitters: Uncertain significance (1); Likely benign (1). Last evaluated 2025-06-23.

Conditions:
Familial cancer of breast. Also called: hereditary breast carcinoma; Hereditary breast cancer; BREAST CANCER, FAMILIAL. Identifiers: Orphanet 227535, MedGen C0346153, MONDO:0016419, OMIM 114480. Disease mechanism: loss of function.
Hereditary cancer-predisposing syndrome. Also called: Neoplastic Syndromes, Hereditary; Hereditary Cancer Syndrome; Tumor predisposition; Hereditary neoplastic syndrome. Identifiers: Orphanet 140162, MedGen C0027672, MeSH D009386, MONDO:0015356.

gnomAD v4.1: 2 of 1,614,068 alleles (0.00012%); highest among the groups gnomAD compares: East Asian, 0.0045%; no homozygotes.

Submissions (2):

Labcorp Genetics (formerly Invitae), Labcorp
Classification: Uncertain significance for Familial cancer of breast. Last evaluated: 2025-06-23. Review status: criteria provided, single submitter. Criteria: Invitae Variant Classification Sherloc (09022015). Collection method: clinical testing. Allele origin: germline.
Comment: This sequence change replaces methionine, which is neutral and non-polar, with arginine, which is basic and polar, at codon 383 of the BARD1 protein (p.Met383Arg). This variant is present in population databases (rs763596413, gnomAD 0.01%). This variant has not been reported in the literature in individuals affected with BARD1-related conditions. ClinVar contains an entry for this variant (Variation ID: 968977). An algorithm developed to predict the effect of missense changes on protein structure and function (PolyPhen-2) suggests that this variant is likely to be tolerated. In summary, the available evidence is currently insufficient to determine the role of this variant in disease. Therefore, it has been classified as a Variant of Uncertain Significance.

Ambry Genetics
Classification: Likely benign for Hereditary cancer-predisposing syndrome. Last evaluated: 2024-06-24. Review status: criteria provided, single submitter. Criteria: Ambry Variant Classification Scheme 2023. Collection method: clinical testing. Allele origin: germline.